The following is an entry in ClinVar:

ClinVar aggregate classification (germline): Likely pathogenic (1 of 4 stars; one submission).

Conditions:
Inborn genetic diseases. Identifiers: MedGen C0950123, MeSH D030342.

Submission:

Ambry Genetics
Classification: Likely pathogenic for Inborn genetic diseases. Last evaluated: 2024-07-12. Review status: criteria provided, single submitter. Criteria: Ambry Variant Classification Scheme 2023. Collection method: clinical testing. Allele origin: germline.
Comment: The c.3G>T (p.M1?) alteration is located in coding exon 1 of the TNFRSF11A gene and consists of a G to T substitution at nucleotide position 3. This alters the methionine residue at the initiation codon (ATG). Sequence variations that modify the initiation codon are expected to result in either loss of translation initiation, N-terminal truncation, or cause a shift in the mRNA reading frame. Although biallelic loss of function of TNFRSF11A has been associated with autosomal recessive TNFRSF11A -related osteopetrosis, haploinsufficiency of TNFRSF11A has not been established as a mechanism of disease for autosomal dominant TNFRSF11A-related osteolytic disorder. Based on the available evidence, the TNFRSF11A c.3G>T (p.M1?) alteration is classified as likely pathogenic for autosomal recessive TNFRSF11A -related osteopetrosis; however, the association of this alteration with autosomal dominant TNFRSF11A-related osteolytic disorder is unlikely. This variant was not reported in population-based cohorts in the Genome Aggregation Database (gnomAD). This amino acid position is highly conserved in available vertebrate species. Based on the available evidence, this alteration is classified as likely pathogenic.

NM_003839.4(TNFRSF11A):c.3G>T (p.Met1Ile)

Genes: TNFRSF11A (TNF receptor superfamily member 11a; plus strand), LOC130062628 (ATAC-STARR-seq lymphoblastoid silent region 9505; plus strand). Cytogenetic location: 18q21.33.
Variant type: single nucleotide variant.
Coding change: c.3G>T on transcript NM_003839.4 (MANE Select); coding-DNA position 3, G replaced by T.
Protein change: p.Met1Ile; changes the start codon (methionine 1).
Molecular consequence: missense variant, initiator codon variant.
Genome position (GRCh38, 1-based): chr18:62,325,355, G>T. VCF-style: chr18-62325355-G-T. GRCh37 (hg19) VCF-style: chr18-59992588-G-T.
Other names: c.3G>T, p.Met1Ile (NM_001270949.2, NM_001270950.2, NM_001270951.2 and 1 more transcripts); short protein forms M1I.
Identifiers: ClinVar variation 3459130 (VCV003459130.1).